The following is an entry in ClinVar:

ClinVar aggregate classification (germline): Uncertain significance (1 of 4 stars; one submission).

Allele frequency attached by ClinVar (database versions not stated): TOPMed below 0.00001; gnomAD exomes below 0.00001; gnomAD 0.00001.
gnomAD v4.1: 9 of 1,614,022 alleles (0.00056%); highest among the groups gnomAD compares: Non-Finnish European, 0.00068%; no homozygotes.

Submission:

Labcorp Genetics (formerly Invitae), Labcorp
Classification: Uncertain significance. Last evaluated: 2025-04-08. Review status: criteria provided, single submitter. Criteria: Invitae Variant Classification Sherloc (09022015). Collection method: clinical testing. Allele origin: germline.
Comment: This sequence change replaces valine, which is neutral and non-polar, with alanine, which is neutral and non-polar, at codon 3490 of the KMT2A protein (p.Val3490Ala). This variant is not present in population databases (gnomAD no frequency). This variant has not been reported in the literature in individuals affected with KMT2A-related conditions. ClinVar contains an entry for this variant (Variation ID: 1496126). Invitae Evidence Modeling of protein sequence and biophysical properties (such as structural, functional, and spatial information, amino acid conservation, physicochemical variation, residue mobility, and thermodynamic stability) indicates that this missense variant is not expected to disrupt KMT2A protein function with a negative predictive value of 95%. In summary, the available evidence is currently insufficient to determine the role of this variant in disease. Therefore, it has been classified as a Variant of Uncertain Significance.

NM_001197104.2(KMT2A):c.10469T>C (p.Val3490Ala)

Gene: KMT2A (lysine methyltransferase 2A; plus strand). Cytogenetic location: 11q23.3.
Variant type: single nucleotide variant.
Coding change: c.10469T>C on transcript NM_001197104.2 (MANE Select); coding-DNA position 10469, T replaced by C.
Protein change: p.Val3490Ala; replaces valine 3490 with alanine.
Molecular consequence: missense variant.
Genome position (GRCh38, 1-based): chr11:118,506,361, T>C. VCF-style: chr11-118506361-T-C. GRCh37 (hg19) VCF-style: chr11-118377076-T-C.
Other names: c.10460T>C, p.Val3487Ala (NM_005933.4); short protein forms V3487A, V3490A.
Identifiers: ClinVar variation 1496126 (VCV001496126.8), dbSNP rs1243918687, ClinGen allele CA382825916.